The following is an entry in ClinVar:

ClinVar aggregate classification (germline): Uncertain significance (1 of 4 stars; one submission).

Conditions:
Neurodevelopmental disorder with hypotonia and brain abnormalities. Identifiers: MedGen C5561977, MONDO:0859187, OMIM 619512.

Submission:

3billion
Classification: Uncertain significance for Neurodevelopmental disorder with hypotonia and brain abnormalities. Last evaluated: 2022-05-22. Review status: criteria provided, single submitter. Criteria: ACMG Guidelines, 2015. Collection method: clinical testing. Allele origin: germline. Affected: yes. Observed: 1 heterozygote.
Comment: The variant is not observed in the gnomAD v2.1.1 dataset. Missense changes are a common disease-causing mechanism. The variant is in trans with the NM_001829.4:c.491C>T variant. In silico tool predictions suggest damaging effect of the variant on gene or gene product (REVEL: 0.65; 3Cnet: 0.54). Therefore, this variant is classified as uncertain significanceaccording to the recommendation of ACMG/AMP guideline.

NM_001829.4(CLCN3):c.466C>G (p.Leu156Val)

Gene: CLCN3 (chloride voltage-gated channel 3; plus strand). Cytogenetic location: 4q33.
Variant type: single nucleotide variant.
Coding change: c.466C>G on transcript NM_001829.4 (MANE Select); coding-DNA position 466, C replaced by G.
Protein change: p.Leu156Val; replaces leucine 156 with valine.
Molecular consequence: missense variant.
Genome position (GRCh38, 1-based): chr4:169,689,090, C>G. VCF-style: chr4-169689090-C-G. GRCh37 (hg19) VCF-style: chr4-170610241-C-G.
Other names: c.466C>G, p.Leu156Val (NM_001243372.2, NM_173872.4); c.385C>G, p.Leu129Val (NM_001243374.2); short protein forms L129V, L156V.
Identifiers: ClinVar variation 1687210 (VCV001687210.1), dbSNP rs1581252557, ClinGen allele CA358736708.